The following is an entry in ClinVar:

ClinVar aggregate classification (germline): Pathogenic (1 of 4 stars; one submission).

Conditions:
DICER1-related tumor predisposition. Also called: DICER1-related pleuropulmonary blastoma cancer predisposition syndrome; DICER1 syndrome. Identifiers: Orphanet 284343, MedGen C3839822, MONDO:0100216.

Submission:

Labcorp Genetics (formerly Invitae), Labcorp
Classification: Pathogenic for DICER1-related tumor predisposition. Last evaluated: 2024-08-31. Review status: criteria provided, single submitter. Criteria: Invitae Variant Classification Sherloc (09022015). Collection method: clinical testing. Allele origin: germline.
Comment: This sequence change creates a premature translational stop signal (p.Ala1560Serfs*36) in the DICER1 gene. It is expected to result in an absent or disrupted protein product. Loss-of-function variants in DICER1 are known to be pathogenic (PMID: 19556464, 21266384). This variant is not present in population databases (gnomAD no frequency). This variant has not been reported in the literature in individuals affected with DICER1-related conditions. For these reasons, this variant has been classified as Pathogenic.

Literature cited by the submitters: PubMed 19556464; PubMed 21266384.

NM_177438.3(DICER1):c.4676dup (p.Ala1560fs)

Gene: DICER1 (dicer 1, ribonuclease III; minus strand). Cytogenetic location: 14q32.13.
Variant type: Duplication.
Coding change: c.4676dup on transcript NM_177438.3 (MANE Select); coding-DNA position 4676, one base duplicated (T; older notation c.4676dupT).
Protein change: p.Ala1560fs; shifts the reading frame from alanine 1560.
Molecular consequence: frameshift variant. On other transcripts: non-coding transcript variant (6).
Genome position (GRCh38, 1-based): chr14:95,096,244, A duplicated on the plus strand (T on the coding strand, the reverse complement: DICER1 is on the minus strand). VCF-style (leftmost placement, unchanged base first): chr14-95096243-T-TA. GRCh37 (hg19) VCF-style: chr14-95562580-T-TA.
Other names: c.4676dup, p.Ala1560fs (NM_001195573.1, NM_001271282.3, NM_001291628.2 and 12 more transcripts); c.4394dup, p.Ala1466fs (NM_001395686.1); c.4271dup, p.Ala1425fs (NM_001395687.1, NM_001395688.1, NM_001395689.1 and 2 more transcripts); c.4109dup, p.Ala1371fs (NM_001395691.1); c.2993dup, p.Ala999fs (NM_001395697.1); short protein forms A1466fs, A1425fs, A1560fs, A999fs, A1371fs.
Identifiers: ClinVar variation 3662815 (VCV003662815.2).